The following is an entry in ClinVar:

ClinVar aggregate classification (germline): Likely benign. Review status: criteria provided, multiple submitters, no conflicts (2 of 4 stars). 3 submissions from 3 submitters: Likely benign (2). 1 of the submissions does not count toward it. Last evaluated 2025-07-30.

Conditions:
MFRP-related disorder. Also called: MFRP-related condition; MFRP-related disorders.
Isolated microphthalmia 5. Also called: Posterior Microphthalmia with Retinitis Pigmentosa, Foveoschisis, and Optic Disc Drusen. Identifiers: Orphanet 251279, MedGen C1970236, MONDO:0012605, OMIM 611040.

Allele frequency attached by ClinVar (database versions not stated): gnomAD 0.00001; 1000 Genomes Project 0.00020; ESP Exome Variant Server 0.00008; TOPMed 0.00001; 1000 Genomes Project 30x 0.00031.
gnomAD v4.1: 48 of 1,613,556 alleles (0.003%); highest among the groups gnomAD compares: Middle Eastern, 0.033%; no homozygotes.

Submissions (3):

Labcorp Genetics (formerly Invitae), Labcorp
Classification: Likely benign for Isolated microphthalmia 5. Last evaluated: 2025-07-30. Review status: criteria provided, single submitter. Criteria: Invitae Variant Classification Sherloc (09022015). Collection method: clinical testing. Allele origin: germline.

Blueprint Genetics
Classification: Likely benign. Last evaluated: 2023-12-22. Review status: criteria provided, single submitter. Criteria: ACMG Guidelines, 2015. Collection method: clinical testing. Allele origin: germline.

PreventionGenetics, part of Exact Sciences
Classification: Likely benign for MFRP-related condition. Last evaluated: 2024-08-29. Review status: no assertion criteria provided. Collection method: clinical testing. Allele origin: germline. Not counted in ClinVar's aggregate classification.
Comment: This variant is classified as likely benign based on ACMG/AMP sequence variant interpretation guidelines (Richards et al. 2015 PMID: 25741868, with internal and published modifications).

NM_031433.4(MFRP):c.300G>A (p.Ala100=)

Genes: C1QTNF5 (C1q and TNF related 5; minus strand), MFRP (membrane frizzled-related protein; minus strand). Cytogenetic location: 11q23.3.
Variant type: single nucleotide variant.
Coding change: c.300G>A on transcript NM_031433.4 (MANE Select); coding-DNA position 300, G replaced by A.
Protein change: p.Ala100=; no amino-acid change (alanine 100 retained).
Molecular consequence: synonymous variant. On other transcripts: 5 prime UTR variant (1).
Genome position (GRCh38, 1-based): chr11:119,345,900, C>T on the plus strand (G>A on the coding strand, the complement: MFRP is on the minus strand). VCF-style: chr11-119345900-C-T. GRCh37 (hg19) VCF-style: chr11-119216610-C-T.
Other names: c.-2337G>A (NM_015645.5).
Identifiers: ClinVar variation 1116452 (VCV001116452.12), dbSNP rs370696881, ClinGen allele CA6320622.